The following is an entry in ClinVar:

NM_001939.3(DRP2):c.664C>T (p.Gln222Ter)

Gene: DRP2 (dystrophin related protein 2; plus strand). Cytogenetic location: Xq22.1.
Variant type: single nucleotide variant.
Coding change: c.664C>T on transcript NM_001939.3 (MANE Select); coding-DNA position 664, C replaced by T.
Protein change: p.Gln222Ter; replaces glutamine 222 with a stop codon.
Molecular consequence: nonsense.
Genome position (GRCh38, 1-based): chrX:101,241,772, C>T. VCF-style: chrX-101241772-C-T. GRCh37 (hg19) VCF-style: chrX-100496761-C-T.
Other names: c.430C>T, p.Gln144Ter (NM_001171184.2); short protein forms Q144*, Q222*.
Identifiers: ClinVar variation 4852482 (VCV004852482.1).

ClinVar aggregate classification (germline): Pathogenic (1 of 4 stars; one submission).

Conditions:
Charcot-Marie-Tooth disease X-linked dominant 1. Also called: Charcot-Marie-Tooth Neuropathy X Type 1; CHARCOT-MARIE-TOOTH NEUROPATHY, X-LINKED, 1; CHARCOT-MARIE-TOOTH PERONEAL MUSCULAR ATROPHY, X-LINKED; HEREDITARY MOTOR AND SENSORY NEUROPATHY, X-LINKED; HMSN, X-LINKED; X-linked Charcot-Marie-Tooth disease type 1. Identifiers: Orphanet 101075, MedGen C0393808, MONDO:0010549, OMIM 302800.

Submission:

Gemeinschaftspraxis fuer Humangenetik Dresden
Classification: Pathogenic for Charcot-Marie-Tooth disease X-linked dominant 1. Last evaluated: 2025-08-13. Review status: criteria provided, single submitter. Criteria: ACMG Guidelines, 2015. Collection method: clinical testing. Allele origin: germline. Inheritance: X-linked inheritance. Affected: yes. Observed: 2 variant alleles.
Comment: The variant c.664C>T, p.(Gln222*) is not reported in HGMD 2026.1, gnomAD (v4.1.1), dbSNP (v155) or LOVD (we submitted there) so far. Due to the protein truncating character the variant is classified as pathogenic. A recent paper by Sivera et al. (2024) describes seven Spanish families in whom *DRP2* mutations were detected. Consistent with an X-linked mode of inheritance, males harboring hemizygous variants presented with an intermediate form of CMT, whereas heterozygous females remained asymptomatic (Sivera et al., Neurology. 2024 Apr 9;102(7):e209174).

Literature cited by the submitters: PubMed 38513194.